The following is an entry in ClinVar:

NM_002432.3(MNDA):c.782T>C (p.Val261Ala)

Gene: MNDA (myeloid cell nuclear differentiation antigen; plus strand). Cytogenetic location: 1q23.1.
Variant type: single nucleotide variant.
Coding change: c.782T>C on transcript NM_002432.3 (MANE Select); coding-DNA position 782, T replaced by C.
Protein change: p.Val261Ala; replaces valine 261 with alanine.
Molecular consequence: missense variant.
Genome position (GRCh38, 1-based): chr1:158,845,798, T>C. VCF-style: chr1-158845798-T-C. GRCh37 (hg19) VCF-style: chr1-158815588-T-C.
Other names: short protein forms V261A.
Identifiers: ClinVar variation 3295442 (VCV003295442.1).

ClinVar aggregate classification (germline): Uncertain significance (1 of 4 stars; one submission).

Submission:

Ambry Genetics
Classification: Uncertain significance. Last evaluated: 2024-04-28. Review status: criteria provided, single submitter. Criteria: Ambry Variant Classification Scheme 2023. Collection method: clinical testing. Allele origin: germline.
Comment: The p.V261A variant (also known as c.782T>C), located in coding exon 4 of the MNDA gene, results from a T to C substitution at nucleotide position 782. The valine at codon 261 is replaced by alanine, an amino acid with similar properties. This amino acid position is conserved. In addition, this alteration is predicted to be tolerated by in silico analysis. Based on the available evidence, the clinical significance of this variant remains unclear.